The following is an entry in ClinVar:

NM_001244008.2(KIF1A):c.2965C>G (p.Gln989Glu)

Gene: KIF1A (kinesin family member 1A; minus strand). Cytogenetic location: 2q37.3.
Variant type: single nucleotide variant.
Coding change: c.2965C>G on transcript NM_001244008.2 (MANE Select); coding-DNA position 2965, C replaced by G.
Protein change: p.Gln989Glu; replaces glutamine 989 with glutamic acid.
Molecular consequence: missense variant.
Genome position (GRCh38, 1-based): chr2:240,750,441, G>C on the plus strand (C>G on the coding strand, the complement: KIF1A is on the minus strand). VCF-style: chr2-240750441-G-C. GRCh37 (hg19) VCF-style: chr2-241689858-G-C.
Other names: c.2689C>G, p.Gln897Glu (NM_001320705.2, NM_001330289.2, NM_001379638.1); c.2764C>G, p.Gln922Glu (NM_001330290.2, NM_001379634.1, NM_001379635.1 and 1 more transcripts); c.3040C>G, p.Gln1014Glu (NM_001379631.1); c.2914C>G, p.Gln972Glu (NM_001379632.1); c.2938C>G, p.Gln980Glu (NM_001379633.1, NM_001379642.1, NM_001379645.1); c.2662C>G, p.Gln888Glu (NM_001379636.1, NM_001379639.1, NM_001379640.1 and 6 more transcripts); c.2737C>G, p.Gln913Glu (NM_001379637.1, NM_001379648.1); short protein forms Q1014E, Q888E, Q897E, Q913E, Q922E, Q972E, Q980E, Q989E.
Identifiers: ClinVar variation 3602551 (VCV003602551.1).
Genomic context (GRCh38, chr2:240,750,441, plus strand): 5'-CAGCCCCAGGGGCTCCAATGCCACACACGGCCTTTGGCCCACACGCACCTGAGATGGCCT[G>C]GACGGCCACGCGGAGGAAGCCCTTCACCTCGCCCTTCTCGCTGACGATTGCCACACGGTG-3'
Protein context (NP_001230937.1, residues 979-999): EVKGFLRVAV[Gln989Glu]AISADEEAPD

ClinVar aggregate classification (germline): Uncertain significance (1 of 4 stars; one submission).

Submission:

GeneDx
Classification: Uncertain significance. Last evaluated: 2024-08-02. Review status: criteria provided, single submitter. Criteria: GeneDx Variant Classification Process June 2021. Collection method: clinical testing. Allele origin: germline. Affected: yes.
Comment: Not observed at significant frequency in large population cohorts (gnomAD); In silico analysis indicates that this missense variant does not alter protein structure/function; Has not been previously published as pathogenic or benign to our knowledge